The following is an entry in ClinVar:

ClinVar aggregate classification (germline): Uncertain significance (1 of 4 stars; one submission).

Allele frequency attached by ClinVar (database versions not stated): gnomAD exomes below 0.00001.

Submission:

Labcorp Genetics (formerly Invitae), Labcorp
Classification: Uncertain significance. Last evaluated: 2022-03-29. Review status: criteria provided, single submitter. Criteria: Invitae Variant Classification Sherloc (09022015). Collection method: clinical testing. Allele origin: germline.
Comment: This sequence change replaces glycine, which is neutral and non-polar, with arginine, which is basic and polar, at codon 72 of the POC1B protein (p.Gly72Arg). In summary, the available evidence is currently insufficient to determine the role of this variant in disease. Therefore, it has been classified as a Variant of Uncertain Significance. Algorithms developed to predict the effect of sequence changes on RNA splicing suggest that this variant may disrupt the consensus splice site. Algorithms developed to predict the effect of missense changes on protein structure and function are either unavailable or do not agree on the potential impact of this missense change (SIFT: "Deleterious"; PolyPhen-2: "Probably Damaging"; Align-GVGD: "Class C15"). ClinVar contains an entry for this variant (Variation ID: 1057364). This variant has not been reported in the literature in individuals affected with POC1B-related conditions. This variant is not present in population databases (gnomAD no frequency).

NM_172240.3(POC1B):c.214G>A (p.Gly72Arg)

Genes: POC1B (POC1 centriolar protein B; minus strand), POC1B-DUSP6 (POC1B-DUSP6 readthrough; minus strand). Cytogenetic location: 12q21.33.
Variant type: single nucleotide variant.
Coding change: c.214G>A on transcript NM_172240.3 (MANE Select); coding-DNA position 214, G replaced by A.
Protein change: p.Gly72Arg; replaces glycine 72 with arginine.
Molecular consequence: missense variant.
Genome position (GRCh38, 1-based): chr12:89,497,229, C>T on the plus strand (G>A on the coding strand, the complement: POC1B is on the minus strand). VCF-style: chr12-89497229-C-T. GRCh37 (hg19) VCF-style: chr12-89891006-C-T.
Other names: c.88G>A, p.Gly30Arg (NM_001199777.2); short protein forms G30R, G72R.
Identifiers: ClinVar variation 1057364 (VCV001057364.10), dbSNP rs2135743215, ClinGen allele CA385993681.